The following is an entry in ClinVar:

ClinVar aggregate classification (germline): Uncertain significance (1 of 4 stars; one submission).

Conditions:
Auditory neuropathy-optic atrophy syndrome. Also called: MULTIPLE MITOCHONDRIAL DYSFUNCTIONS SYNDROME 9A; AUDITORY NEUROPATHY AND OPTIC ATROPHY. Identifiers: Orphanet 542585, MedGen C4521678, MONDO:0060582, OMIM 617717.

Submission:

Juno Genomics, Hangzhou Juno Genomics, Inc
Classification: Uncertain significance for Auditory neuropathy-optic atrophy syndrome. Review status: criteria provided, single submitter. Criteria: ACMG Guidelines, 2015. Collection method: clinical testing. Allele origin: germline. Affected: yes.
Comment: Absent from controls (or at extremely low frequency if recessive) in Genome Aggregation Database, Exome Sequencing Project, 1000 Genomes Project, or Exome Aggregation Consortium.

NM_024417.5(FDXR):c.698A>G (p.Gln233Arg)

Gene: FDXR (ferredoxin reductase; minus strand). Cytogenetic location: 17q25.1.
Variant type: single nucleotide variant.
Coding change: c.698A>G on transcript NM_024417.5 (MANE Select); coding-DNA position 698, A replaced by G.
Protein change: p.Gln233Arg; replaces glutamine 233 with arginine.
Molecular consequence: missense variant. On other transcripts: non-coding transcript variant (1).
Genome position (GRCh38, 1-based): chr17:74,864,843, T>C on the plus strand (A>G on the coding strand, the complement: FDXR is on the minus strand). VCF-style: chr17-74864843-T-C. GRCh37 (hg19) VCF-style: chr17-72860965-T-C.
Other names: c.827A>G, p.Gln276Arg (NM_001258012.4); c.791A>G, p.Gln264Arg (NM_001258013.4); c.674A>G, p.Gln225Arg (NM_001258014.4); c.578A>G, p.Gln193Arg (NM_001258015.3); c.542A>G, p.Gln181Arg (NM_001258016.3); c.716A>G, p.Gln239Arg (NM_004110.6); short protein forms Q181R, Q193R, Q225R, Q233R, Q239R, Q264R, Q276R.
Identifiers: ClinVar variation 3382533 (VCV003382533.2).